The following is an entry in ClinVar:

NM_000038.6(APC):c.937_938del (p.Glu313fs)

Gene: APC (APC regulator of Wnt signaling pathway; plus strand). Cytogenetic location: 5q22.2.
Variant type: Deletion.
Coding change: c.937_938del on transcript NM_000038.6 (MANE Select); coding-DNA positions 937 to 938, 2 bases deleted (GA; older notation c.937_938delGA).
Protein change: p.Glu313fs; shifts the reading frame from glutamic acid 313.
Molecular consequence: frameshift variant. On other transcripts: intron variant (4).
Genome position (GRCh38, 1-based): chr5:112,818,969-112,818,970, GA deleted. VCF-style (leftmost placement, unchanged base first): chr5-112818968-GGA-G. GRCh37 (hg19) VCF-style: chr5-112154665-GGA-G.
Other names: c.937_938del, p.Glu313fs (NM_001127510.3, NM_001354895.2, NM_001354896.2); c.883_884del, p.Glu295fs (NM_001127511.3); c.967_968del, p.Glu323fs (NM_001354897.2); c.862_863del, p.Glu288fs (NM_001354898.2); c.853_854del, p.Glu285fs (NM_001354899.2); c.760_761del, p.Glu254fs (NM_001354900.2, NM_001354901.2); c.88_89del, p.Glu30fs (NM_001354906.2); c.964-300_964-299del (NM_001354902.2); and 4 more; short protein forms E313fs, E288fs, E254fs, E285fs, E295fs, E30fs, E323fs.
Identifiers: ClinVar variation 831 (VCV000000831.21), dbSNP rs387906239, ClinGen allele CA015990.
Genomic context (GRCh38, chr5:112,818,968, plus strand): 5'-TTTTTGGCTTTTGGATATTAAAGTCGTAATTTTGTTTCTAAACTCATTTGGCCCACAGGT[GGA>G]AATGGTGTATTCATTGTTGTCAATGCTTGGTACTCATGATAAGGATGATATGTCGCGAAC-3'

ClinVar aggregate classification (germline): Pathogenic. Review status: criteria provided, multiple submitters, no conflicts (2 of 4 stars). 8 submissions from 8 submitters: Pathogenic (6). 2 of the submissions do not count toward it. Last evaluated 2026-01-28.

Conditions:
Familial multiple polyposis syndrome (FAP). Also called: Familial intestinal polyposis; Familial Adenomatous Polyposis (FAP); Familial adenomatous polyposis; Familial polyposis; Classic familial adenomatous polyposis. Identifiers: Orphanet 733, MedGen C0032580, MONDO:0021055. Disease mechanism: loss of function.
Familial adenomatous polyposis 1 (FAP1). Also called: FAMILIAL ADENOMATOUS POLYPOSIS 1, ATTENUATED; POLYPOSIS, ADENOMATOUS INTESTINAL. Identifiers: MedGen C2713442, MONDO:0021056, OMIM 175100. Disease mechanism: loss of function.
Hereditary cancer-predisposing syndrome. Also called: Tumor predisposition; Neoplastic Syndromes, Hereditary; Hereditary Cancer Syndrome; Hereditary neoplastic syndrome. Identifiers: Orphanet 140162, MedGen C0027672, MeSH D009386, MONDO:0015356.

Submissions (8):

Ambry Genetics
Classification: Pathogenic for Hereditary cancer-predisposing syndrome. Last evaluated: 2026-01-28. Review status: criteria provided, single submitter. Criteria: Ambry Variant Classification Scheme 2023. Collection method: clinical testing. Allele origin: germline.
Comment: The c.937_938delGA pathogenic mutation, located in coding exon 9 of the APC gene, results from a deletion of two nucleotides at nucleotide positions 937 to 938, causing a translational frameshift with a predicted alternate stop codon (p.E313Nfs*13). This variant was reported in individual(s) with features consistent with familial adenomatous polyposis/ attenuated familial adenomatous polyposis (Soravia C et al. Am. J. Pathol. 1999 Jan;154:127-35; Wu G et al. Genet. Test. 2001;5:281-90). This variant is considered to be rare based on population cohorts in the Genome Aggregation Database (gnomAD). This alteration is expected to result in loss of function by premature protein truncation or nonsense-mediated mRNA decay. As such, this alteration is interpreted as a disease-causing mutation.

Myriad Genetics, Inc.
Classification: Pathogenic for Familial adenomatous polyposis 1. Last evaluated: 2023-04-28. Review status: criteria provided, single submitter. Criteria: Myriad Autosomal Dominant, Autosomal Recessive and X-Linked Classification Criteria (2023). Collection method: clinical testing. Allele origin: unknown.
Comment: This variant is considered pathogenic. This variant creates a frameshift predicted to result in premature protein truncation.

Labcorp Genetics (formerly Invitae), Labcorp
Classification: Pathogenic for Familial adenomatous polyposis 1. Last evaluated: 2022-01-20. Review status: criteria provided, single submitter. Criteria: Invitae Variant Classification Sherloc (09022015). Collection method: clinical testing. Allele origin: germline.
Comment: This sequence change creates a premature translational stop signal (p.Glu313Asnfs*13) in the APC gene. It is expected to result in an absent or disrupted protein product. Loss-of-function variants in APC are known to be pathogenic (PMID: 17963004, 20685668). This variant is not present in population databases (gnomAD no frequency). This premature translational stop signal has been observed in individual(s) with familial adenomatous polyposis and colorectal cancer, and a family with attenuated familial adenomatous polyposis and colorectal cancer and attenuated familial adenomatous polyposis and colorectal cancer (PMID: 9916927, 11960572, 28125075). ClinVar contains an entry for this variant (Variation ID: 831). Algorithms developed to predict the effect of sequence changes on RNA splicing suggest that this variant may create or strengthen a splice site. For these reasons, this variant has been classified as Pathogenic.

Color Diagnostics, LLC DBA Color Health
Classification: Pathogenic for Hereditary cancer-predisposing syndrome. Last evaluated: 2020-02-24. Review status: criteria provided, single submitter. Criteria: ACMG Guidelines, 2015. Collection method: clinical testing. Allele origin: germline.
Comment: This variant deletes 2 nucleotides in exon 10 of the APC gene, creating a frameshift and premature translation stop signal. This variant is expected to result in an absent or non-functional protein product. To our knowledge, functional studies have not been performed for this variant. This variant has been reported in individuals affected with familial adenomatous polyposis (PMID: 9916927, 11960572). This variant has not been identified in the general population by the Genome Aggregation Database (gnomAD). Loss of APC function is a known mechanism of disease. Based on the available evidence, this variant is classified as Pathogenic.

Center for Human Genetics, Inc
Classification: Pathogenic for Familial multiple polyposis syndrome. Last evaluated: 2016-11-01. Review status: criteria provided, single submitter. Criteria: ACMG Guidelines, 2015. Collection method: clinical testing. Allele origin: germline. Affected: yes.

GeneDx
Classification: Pathogenic. Last evaluated: 2016-09-14. Review status: criteria provided, single submitter. Criteria: GeneDx Variant Classification (06012015). Collection method: clinical testing. Allele origin: germline. Affected: yes.
Comment: This deletion of 2 nucleotides in APC is denoted c.937_938delGA at the cDNA level and p.Glu313AsnfsX13 (E313NfsX13) at the protein level. The normal sequence, with the bases that are deleted in braces, is GGTG[GA]AATG. The deletion causes a frameshift, which changes a Glutamic Acid to an Asparagine at codon 313, and creates a premature stop codon at position 13 of the new reading frame. This variant is predicted to cause loss of normal protein function through either protein truncation or nonsense-mediated mRNA decay. APC c.937_938delGA has been reported in association with both classic and attenuated FAP (Soravia 1999, Wu 2001). We consider this variant to be pathogenic.

OMIM
Classification: Pathogenic for FAMILIAL ADENOMATOUS POLYPOSIS 1, ATTENUATED. Last evaluated: 1999-01-01. Review status: no assertion criteria provided. Collection method: literature only. Allele origin: germline. Not counted in ClinVar's aggregate classification.

Department of Pathology and Laboratory Medicine, Sinai Health System
Classification: Pathogenic for Familial adenomatous polyposis 1. Review status: no assertion criteria provided. Collection method: clinical testing. Allele origin: unknown. Affected: yes. Observed: 7 variant alleles. Study: The Canadian Open Genetics Repository (COGR). Not counted in ClinVar's aggregate classification.
Comment: The APC p.Glu313AsnfsX13 variant was not identified in the literature, nor was it identified in, the 1000 Genomes Project, the NHLBI Exome Sequencing Project, the Exome Aggregation Consortium, the Genome Aggregation Database (Feb 27, 2017), Clinvitae, UMD, InSiGHT Colon Cancer Gene Variant Database (LOVD), or the Zhejiang Colon Cancer Database (LOVD). The variant was identified in dbSNP (ID: rs387906239) as â€šÃ„ÃºWith Pathogenic alleleâ€šÃ„Ã¹, GeneInsight COGR (classified as pathogenic) and ClinVar (classified as pathogenic by GeneDx and OMIM) databases. The c.937_938delGA variant is predicted to cause a frameshift, which alters the protein's amino acid sequence beginning at codon 313 and leads to a premature stop codon 13 codons downstream. This alteration is then predicted to result in a truncated or absent protein and loss of function. Loss of function variants of the APC gene are an established mechanism of disease in familial adenomatous polyposis and is the type of variant expected to cause the disorder. In summary, based on the above information, this variant meets our laboratoryâ€šÃ„Ã´s criteria to be classified as pathogenic.

Literature cited by the submitters: PubMed 11960572 (cited by Ambry Genetics and Labcorp Genetics (formerly Invitae), Labcorp); PubMed 9916927 (cited by 3 submitters); PubMed 17963004 (cited by Labcorp Genetics (formerly Invitae), Labcorp); PubMed 20685668 (cited by Labcorp Genetics (formerly Invitae), Labcorp); PubMed 28125075 (cited by Labcorp Genetics (formerly Invitae), Labcorp).